The following is an entry in ClinVar:

ClinVar aggregate classification (germline): Uncertain significance (1 of 4 stars; one submission).

Conditions:
Cystic fibrosis (CF). Also called: MUCOVISCIDOSIS. Identifiers: Orphanet 586, MedGen C0010674, MONDO:0009061, OMIM 219700. Disease mechanism: loss of function.

Submission:

Ambry Genetics
Classification: Uncertain significance for Cystic fibrosis. Last evaluated: 2021-11-22. Review status: criteria provided, single submitter. Criteria: Ambry Variant Classification Scheme 2023. Collection method: clinical testing. Allele origin: germline.
Comment: The p.E379G variant (also known as c.1136A>G), located in coding exon 9 of the CFTR gene, results from an A to G substitution at nucleotide position 1136. The glutamic acid at codon 379 is replaced by glycine, an amino acid with similar properties. This amino acid position is conserved. In addition, this alteration is predicted to be deleterious by in silico analysis. Since supporting evidence is limited at this time, the clinical significance of this alteration remains unclear.

NM_000492.4(CFTR):c.1136A>G (p.Glu379Gly)

Gene: CFTR (CF transmembrane conductance regulator; plus strand). Cytogenetic location: 7q31.2.
Variant type: single nucleotide variant.
Coding change: c.1136A>G on transcript NM_000492.4 (MANE Select); coding-DNA position 1136, A replaced by G.
Protein change: p.Glu379Gly; replaces glutamic acid 379 with glycine.
Molecular consequence: missense variant.
Genome position (GRCh38, 1-based): chr7:117,542,035, A>G. VCF-style: chr7-117542035-A-G. GRCh37 (hg19) VCF-style: chr7-117182089-A-G.
Other names: short protein forms E379G.
Identifiers: ClinVar variation 1729739 (VCV001729739.2), dbSNP rs2485030193, ClinGen allele CA368979889.